The following is an entry in ClinVar:

ClinVar aggregate classification (germline): Uncertain significance. Review status: criteria provided, multiple submitters, no conflicts (2 of 4 stars). 4 submissions from 4 submitters: Uncertain significance (4). Last evaluated 2025-12-29.

Conditions:
Dyskeratosis congenita. Identifiers: Orphanet 1775, MedGen C0265965, MONDO:0015780.
Revesz syndrome. Also called: DYSKERATOSIS CONGENITA, AUTOSOMAL DOMINANT 5; EXUDATIVE RETINOPATHY WITH BONE MARROW FAILURE. Identifiers: Orphanet 3088, MedGen C1327916, MONDO:0009990, OMIM 268130.
Dyskeratosis congenita, autosomal dominant 3. Identifiers: MedGen C3151445, MONDO:0013522, OMIM 613990.

Allele frequency attached by ClinVar (database versions not stated): gnomAD 0.00001 and 0.00002; ExAC 0.00002; TOPMed 0.00002; ESP Exome Variant Server 0.00008.
gnomAD v4.1: 24 of 1,613,838 alleles (0.0015%); highest among the groups gnomAD compares: South Asian, 0.0044%; no homozygotes.

Submissions (4):

Center for Genomic Medicine, Rigshospitalet, Copenhagen University Hospital
Classification: Uncertain significance. Last evaluated: 2025-12-29. Review status: criteria provided, single submitter. Criteria: ACMG Guidelines, 2015. Collection method: clinical testing. Allele origin: germline.

Labcorp Genetics (formerly Invitae), Labcorp
Classification: Uncertain significance for Dyskeratosis congenita. Last evaluated: 2025-10-04. Review status: criteria provided, single submitter. Criteria: Invitae Variant Classification Sherloc (09022015). Collection method: clinical testing. Allele origin: germline.
Comment: This sequence change replaces cysteine, which is neutral and slightly polar, with tyrosine, which is neutral and polar, at codon 359 of the TINF2 protein (p.Cys359Tyr). This variant is present in population databases (rs368350757, gnomAD 0.01%). This variant has not been reported in the literature in individuals affected with TINF2-related conditions. ClinVar contains an entry for this variant (Variation ID: 1445405). An algorithm developed to predict the effect of missense changes on protein structure and function outputs the following: PolyPhen-2: "Possibly Damaging". The tyrosine amino acid residue is found in multiple mammalian species, which suggests that this missense change does not adversely affect protein function. In summary, the available evidence is currently insufficient to determine the role of this variant in disease. Therefore, it has been classified as a Variant of Uncertain Significance.

GeneDx
Classification: Uncertain significance. Last evaluated: 2025-08-14. Review status: criteria provided, single submitter. Criteria: GeneDx Variant Classification Process June 2021. Collection method: clinical testing. Allele origin: germline. Affected: yes.
Comment: Identfied in one patient from a cohort of patients with common variable immunodeficiency who underwent exome sequencing; however, additional clinical information and segregation information were not provided (PMID: 37944684); In silico analysis supports that this missense variant has a deleterious effect on protein structure/function; This variant is associated with the following publications: (PMID: 37944684)

Fulgent Genetics
Classification: Uncertain significance for Revesz syndrome; Dyskeratosis congenita, autosomal dominant 3. Last evaluated: 2024-01-05. Review status: criteria provided, single submitter. Criteria: ACMG Guidelines, 2015. Collection method: clinical testing. Allele origin: germline.

NM_001099274.3(TINF2):c.1076G>A (p.Cys359Tyr)

Gene: TINF2 (TERF1 interacting nuclear factor 2; minus strand). Cytogenetic location: 14q12.
Variant type: single nucleotide variant.
Coding change: c.1076G>A on transcript NM_001099274.3 (MANE Select); coding-DNA position 1076, G replaced by A.
Protein change: p.Cys359Tyr; replaces cysteine 359 with tyrosine.
Molecular consequence: missense variant. On other transcripts: 3 prime UTR variant (1).
Genome position (GRCh38, 1-based): chr14:24,240,316, C>T on the plus strand (G>A on the coding strand, the complement: TINF2 is on the minus strand). VCF-style: chr14-24240316-C-T. GRCh37 (hg19) VCF-style: chr14-24709522-C-T.
Other names: c.971G>A, p.Cys324Tyr (NM_001363668.2); c.*99G>A (NM_012461.3); c.1076G>A (NM_001099274.1); short protein forms C324Y, C359Y.
Identifiers: ClinVar variation 1445405 (VCV001445405.10), dbSNP rs368350757, ClinGen allele CA7130503.